The following is an entry in ClinVar:

ClinVar aggregate classification (germline): Pathogenic (1 of 4 stars; one submission).

Submission:

GeneDx
Classification: Pathogenic. Last evaluated: 2025-04-25. Review status: criteria provided, single submitter. Criteria: GeneDx Variant Classification Process June 2021. Collection method: clinical testing. Allele origin: germline. Affected: yes.
Comment: Canonical splice site variant predicted to result in a null allele in a gene for which loss of function is a known mechanism of disease; Not observed at significant frequency in large population cohorts (gnomAD); This variant is associated with the following publications: (PMID: 33057194, 33504798, 35982159)

NM_001356.5(DDX3X):c.45+1G>T

Gene: DDX3X (DEAD-box helicase 3 X-linked; plus strand). Cytogenetic location: Xp11.4.
Variant type: single nucleotide variant.
Coding change: c.45+1G>T on transcript NM_001356.5 (MANE Select); the canonical splice donor site of the intron after coding-DNA position 45, G replaced by T.
Molecular consequence: splice donor variant.
Genome position (GRCh38, 1-based): chrX:41,334,298, G>T. VCF-style: chrX-41334298-G-T. GRCh37 (hg19) VCF-style: chrX-41193551-G-T.
Other names: c.-1859+1G>T (NM_001363819.1); c.45+1G>T (NM_001193416.3, NM_001193417.3).
Identifiers: ClinVar variation 4526954 (VCV004526954.1).